The following is an entry in ClinVar:

ClinVar aggregate classification (germline): Likely pathogenic. Review status: criteria provided, multiple submitters, no conflicts (2 of 4 stars). 2 submissions from 2 submitters: Likely pathogenic (2). Last evaluated 2024-01-02.

Conditions:
Trichorhinophalangeal syndrome, type III (TRPS3). Also called: SUGIO-KAJII SYNDROME. Identifiers: Orphanet 77258, MedGen C1860823, OMIM 190351, MONDO:0008597.
Trichorhinophalangeal dysplasia type I (TRPS1). Also called: TRICHORHINOPHALANGEAL SYNDROME, TYPE I; TRPS I. Identifiers: Orphanet 77258, MedGen C0432233, MONDO:0008596, OMIM 190350.

Submissions (2):

Labcorp Genetics (formerly Invitae), Labcorp
Classification: Likely pathogenic for Trichorhinophalangeal syndrome, type III; Trichorhinophalangeal dysplasia type I. Last evaluated: 2024-01-02. Review status: criteria provided, single submitter. Criteria: Invitae Variant Classification Sherloc (09022015). Collection method: clinical testing. Allele origin: germline.
Comment: This sequence change replaces cysteine, which is neutral and slightly polar, with tyrosine, which is neutral and polar, at codon 933 of the TRPS1 protein (p.Cys933Tyr). This variant is not present in population databases (gnomAD no frequency). This missense change has been observed in individual(s) with trichorhinophalangeal syndrome (Invitae). In at least one individual the variant was observed to be de novo. ClinVar contains an entry for this variant (Variation ID: 863621). Advanced modeling of protein sequence and biophysical properties (such as structural, functional, and spatial information, amino acid conservation, physicochemical variation, residue mobility, and thermodynamic stability) has been performed at Invitae for this missense variant, however the output from this modeling did not meet the statistical confidence thresholds required to predict the impact of this variant on TRPS1 protein function. This variant disrupts the p.Cys933 amino acid residue in TRPS1. Other variant(s) that disrupt this residue have been observed in individuals with TRPS1-related conditions (PMID: 19694891), which suggests that this may be a clinically significant amino acid residue. In summary, the currently available evidence indicates that the variant is pathogenic, but additional data are needed to prove that conclusively. Therefore, this variant has been classified as Likely Pathogenic.

Institute of Human Genetics Munich, TUM University Hospital
Classification: Likely pathogenic for Trichorhinophalangeal dysplasia type I. Last evaluated: 2021-12-14. Review status: criteria provided, single submitter. Criteria: Classification criteria August 2017. Collection method: clinical testing. Allele origin: de novo. Inheritance: Autosomal dominant inheritance. Affected: yes. Observed: 1 variant allele.

Literature cited by the submitters: PubMed 19694891 (cited by Labcorp Genetics (formerly Invitae), Labcorp).

NM_014112.5(TRPS1):c.2798G>A (p.Cys933Tyr)

Gene: TRPS1 (transcriptional repressor GATA binding 1; minus strand). Cytogenetic location: 8q23.3.
Variant type: single nucleotide variant.
Coding change: c.2798G>A on transcript NM_014112.5 (MANE Select); coding-DNA position 2798, G replaced by A.
Protein change: p.Cys933Tyr; replaces cysteine 933 with tyrosine.
Molecular consequence: missense variant.
Genome position (GRCh38, 1-based): chr8:115,418,355, C>T on the plus strand (G>A on the coding strand, the complement: TRPS1 is on the minus strand). VCF-style: chr8-115418355-C-T. GRCh37 (hg19) VCF-style: chr8-116430583-C-T.
Other names: c.2771G>A, p.Cys924Tyr (NM_001282902.3); c.2777G>A, p.Cys926Tyr (NM_001282903.3); c.2759G>A, p.Cys920Tyr (NM_001330599.2); short protein forms C920Y, C926Y, C933Y, C924Y.
Identifiers: ClinVar variation 863621 (VCV000863621.10), dbSNP rs1812971156, ClinGen allele CA372064222.
Genomic context (GRCh38, chr8:115,418,355, plus strand): 5'-AAAGCTTTTCCTGAAAGAGTGGAACAAGTTCTTACCGAGTGAAGCTTCTGGTAGAGGCCA[C>T]ACGCGTTGCATACATATCCGCCATTTGCATTCTTTCGCCAGAGAGAGGTCTTTGTGGTCA-3'
Protein context (NP_054831.2, residues 923-943): NANGGYVCNA[Cys933Tyr]GLYQKLHSTP